The following is an entry in ClinVar:

NM_006950.3(SYN1):c.838-7T>G

Gene: SYN1 (synapsin I; minus strand). Cytogenetic location: Xp11.3.
Variant type: single nucleotide variant.
Coding change: c.838-7T>G on transcript NM_006950.3 (MANE Select); 7 bases into the intron before coding-DNA position 838, T replaced by G.
Molecular consequence: intron variant.
Genome position (GRCh38, 1-based): chrX:47,576,647, A>C on the plus strand (T>G on the coding strand, the complement: SYN1 is on the minus strand). VCF-style: chrX-47576647-A-C. GRCh37 (hg19) VCF-style: chrX-47436046-A-C.
Other names: c.838-7T>G (NM_133499.2).
Identifiers: ClinVar variation 3342003 (VCV003342003.16).

ClinVar aggregate classification (germline): Likely benign (1 of 4 stars; one submission).

gnomAD v4.1: 5 of 1,209,694 alleles (0.00041%); highest among the groups gnomAD compares: Non-Finnish European, 0.00056%; no homozygotes.

Submission:

CeGaT Center for Human Genetics Tuebingen
Classification: Likely benign. Last evaluated: 2024-08-01. Review status: criteria provided, single submitter. Criteria: CeGaT Center For Human Genetics Tuebingen Variant Classification Criteria Version 2. Collection method: clinical testing. Allele origin: germline. Affected: yes. Observed: 1 variant allele.
Comment: SYN1: BP4